The following is an entry in ClinVar:

ClinVar aggregate classification (germline): Conflicting classifications of pathogenicity. Review status: criteria provided, conflicting classifications (1 of 4 stars). 3 submissions from 3 submitters: Uncertain significance (2); Likely benign (1). Last evaluated 2026-01-07.

Conditions:
OTOF-related disorder. Also called: OTOF-related condition.
Inborn genetic diseases. Identifiers: MedGen C0950123, MeSH D030342.

Allele frequency attached by ClinVar (database versions not stated): TOPMed 0.00006; gnomAD 0.00007; ExAC 0.00013.
gnomAD v4.1: 90 of 1,610,062 alleles (0.0056%); highest among the groups gnomAD compares: South Asian, 0.041%; no homozygotes.

Submissions (3):

PreventionGenetics, part of Exact Sciences
Classification: Uncertain significance for OTOF-related condition. Last evaluated: 2026-01-07. Review status: criteria provided, single submitter. Criteria: ACMG Guidelines, 2015. Collection method: clinical testing. Allele origin: germline.
Comment: The OTOF c.296C>T variant is predicted to result in the amino acid substitution p.Thr99Met. To our knowledge, this variant has not been reported in the literature. This variant is reported in 0.037% of alleles in individuals of South Asian descent in gnomAD. At this time, the clinical significance of this variant is uncertain due to the absence of conclusive functional and genetic evidence.

Labcorp Genetics (formerly Invitae), Labcorp
Classification: Likely benign. Last evaluated: 2025-12-22. Review status: criteria provided, single submitter. Criteria: Invitae Variant Classification Sherloc (09022015). Collection method: clinical testing. Allele origin: germline.

Ambry Genetics
Classification: Uncertain significance for Inborn genetic diseases. Last evaluated: 2023-09-12. Review status: criteria provided, single submitter. Criteria: Ambry Variant Classification Scheme 2023. Collection method: clinical testing. Allele origin: germline.

NM_194248.3(OTOF):c.296C>T (p.Thr99Met)

Gene: OTOF (otoferlin; minus strand). Cytogenetic location: 2p23.3.
Variant type: single nucleotide variant.
Coding change: c.296C>T on transcript NM_194248.3 (MANE Select); coding-DNA position 296, C replaced by T.
Protein change: p.Thr99Met; replaces threonine 99 with methionine.
Molecular consequence: missense variant.
Genome position (GRCh38, 1-based): chr2:26,519,041, G>A on the plus strand (C>T on the coding strand, the complement: OTOF is on the minus strand). VCF-style: chr2-26519041-G-A. GRCh37 (hg19) VCF-style: chr2-26741909-G-A.
Other names: c.296C>T, p.Thr99Met (NM_001287489.2); short protein forms T99M.
Identifiers: ClinVar variation 2599752 (VCV002599752.6), dbSNP rs555829802, ClinGen allele CA1564728.
Genomic context (GRCh38, chr2:26,519,041, plus strand): 5'-AGTCCAGGAACTCCGTGGGGCATACCCACCTTGATGATAGCATTGTTGTCATCAATCAGC[G>A]TGTCAGTCACCTCCACATGGCTCTCCTCTACCACCTTCTGCAGCACCATGCGGAAGGTCC-3'
Protein context (NP_919224.1, residues 89-109): VEESHVEVTD[Thr99Met]LIDDNNAIIK